The following is an entry in ClinVar:

ClinVar aggregate classification (germline): Uncertain significance (1 of 4 stars; one submission).

Submission:

GeneDx
Classification: Uncertain significance. Last evaluated: 2024-05-13. Review status: criteria provided, single submitter. Criteria: GeneDx Variant Classification Process June 2021. Collection method: clinical testing. Allele origin: germline. Affected: yes.
Comment: Not observed at significant frequency in large population cohorts (gnomAD); In silico analysis supports that this missense variant has a deleterious effect on protein structure/function; Has not been previously published as pathogenic or benign to our knowledge

NM_170606.3(KMT2C):c.2690G>A (p.Arg897Gln)

Gene: KMT2C (lysine methyltransferase 2C; minus strand). Cytogenetic location: 7q36.1.
Variant type: single nucleotide variant.
Coding change: c.2690G>A on transcript NM_170606.3 (MANE Select); coding-DNA position 2690, G replaced by A.
Protein change: p.Arg897Gln; replaces arginine 897 with glutamine.
Molecular consequence: missense variant.
Genome position (GRCh38, 1-based): chr7:152,235,896, C>T on the plus strand (G>A on the coding strand, the complement: KMT2C is on the minus strand). VCF-style: chr7-152235896-C-T. GRCh37 (hg19) VCF-style: chr7-151932981-C-T.
Other names: short protein forms R897Q.
Identifiers: ClinVar variation 3378217 (VCV003378217.1).